The following is an entry in ClinVar:

ClinVar aggregate classification (germline): Pathogenic. Review status: criteria provided, multiple submitters, no conflicts (2 of 4 stars). 5 submissions from 5 submitters: Pathogenic (4). 1 of the submissions does not count toward it. Last evaluated 2025-08-25.

Conditions:
Neuronal ceroid lipofuscinosis 1 (CLN1). Also called: CEROID LIPOFUSCINOSIS, NEURONAL, 1, VARIABLE AGE AT ONSET; PPT1-Related Neuronal Ceroid-Lipofuscinosis. Identifiers: Orphanet 228329, MedGen C1850451, MONDO:0009744, OMIM 256730.

Allele frequency attached by ClinVar (database versions not stated): TOPMed below 0.00001; gnomAD 0.00001.

Submissions (5):

Myriad Genetics, Inc.
Classification: Pathogenic for Neuronal ceroid lipofuscinosis 1. Last evaluated: 2025-08-25. Review status: criteria provided, single submitter. Criteria: Myriad Autosomal Dominant, Autosomal Recessive and X-Linked Classification Criteria (2023). Collection method: clinical testing. Allele origin: unknown.
Comment: NM_000310.3(PPT1):c.776dupA(E260Gfs*35) is a frameshift variant classified as pathogenic in the context of neuronal ceroid lipofuscinosis, PPT1-related. E260Gfs*35 has been observed in a case with relevant disease (PMID: 23857568). Relevant functional assessments of this variant are not available in the literature. E260Gfs*35 has not been observed in referenced population frequency databases. In summary, NM_000310.3(PPT1):c.776dupA(E260Gfs*35) is a frameshift variant in a gene where loss of function is a known mechanism of disease, is predicted to disrupt protein function, and has been observed more frequently in cases with the relevant disease than in healthy populations. Please note: this variant was assessed in the context of healthy population screening.

Natera, Inc.
Classification: Pathogenic for Neuronal ceroid lipofuscinosis 1. Last evaluated: 2025-02-04. Review status: criteria provided, single submitter. Criteria: Natera Variant Classification Schema (03/2026). Collection method: clinical testing. Allele origin: germline.
Comment: The c.776dupA variant in PPT1 is a frameshift variant predicted to shift the reading frame beginning at codon 260 and leads to a stop codon 35 codons downstream. This variant is expected to result in nonsense mediated decay, truncation, or a dysfunctional protein product. This variant is rare in the general population with a frequency below the threshold expected for the associated phenotype(s). This variant has been observed in one or more individuals affected with the associated recessive disease, as either homozygous or compound heterozygous with a second variant (PMID: 23857568). Functional studies show that this variant may disrupt protein function (PMID: 23857568). Given the available evidence, this variant is classified as Pathogenic.

Labcorp Genetics (formerly Invitae), Labcorp
Classification: Pathogenic for Neuronal ceroid lipofuscinosis 1. Last evaluated: 2022-06-29. Review status: criteria provided, single submitter. Criteria: Invitae Variant Classification Sherloc (09022015). Collection method: clinical testing. Allele origin: germline.
Comment: For these reasons, this variant has been classified as Pathogenic. This variant disrupts a region of the PPT1 protein in which other variant(s) (p.Leu271*) have been determined to be pathogenic (Invitae). This suggests that this is a clinically significant region of the protein, and that variants that disrupt it are likely to be disease-causing. ClinVar contains an entry for this variant (Variation ID: 557103). This premature translational stop signal has been observed in individual(s) with neuronal ceroid lipofuscinosis (PMID: 23857568). This variant is not present in population databases (gnomAD no frequency). This sequence change creates a premature translational stop signal (p.Glu260Glyfs*35) in the PPT1 gene. While this is not anticipated to result in nonsense mediated decay, it is expected to disrupt the last 47 amino acid(s) of the PPT1 protein.

HudsonAlpha Institute for Biotechnology
Classification: Pathogenic for Neuronal ceroid lipofuscinosis 1. Last evaluated: 2020-10-30. Review status: criteria provided, single submitter. Criteria: ACMG Guidelines, 2015. Collection method: research. Allele origin: maternal. Affected: yes. Observed: 1 variant allele. Study: HudsonAlpha-AGHI-WGS.
Comment: ACMG codes:PVS1, PM2, PM3

Counsyl
Classification: Likely pathogenic for Neuronal ceroid lipofuscinosis 1. Last evaluated: 2018-03-08. Review status: no assertion criteria provided. Collection method: clinical testing. Allele origin: unknown. Not counted in ClinVar's aggregate classification.

Literature cited by the submitters: PubMed 23857568 (cited by 4 submitters); PubMed 10781062 (cited by Counsyl).

NM_000310.4(PPT1):c.776dup (p.Glu260fs)

Gene: PPT1 (palmitoyl-protein thioesterase 1; minus strand). Cytogenetic location: 1p34.2.
Variant type: Duplication.
Coding change: c.776dup on transcript NM_000310.4 (MANE Select); coding-DNA position 776, one base duplicated (A; older notation c.776dupA).
Protein change: p.Glu260fs; shifts the reading frame from glutamic acid 260.
Molecular consequence: frameshift variant. On other transcripts: intron variant (1).
Genome position (GRCh38, 1-based): chr1:40,076,864, T duplicated on the plus strand (A on the coding strand, the reverse complement: PPT1 is on the minus strand). VCF-style (leftmost placement, unchanged base first): chr1-40076863-C-CT. GRCh37 (hg19) VCF-style: chr1-40542535-C-CT.
Other names: c.467dup, p.Glu157fs (NM_001142604.2); c.726+1696dup (NM_001363695.2); c.776dupA (NM_000310.3); short protein forms E260fs, E157fs.
Identifiers: ClinVar variation 557103 (VCV000557103.12), dbSNP rs1349528345, ClinGen allele CA658821009.